The following is an entry in ClinVar:

ClinVar aggregate classification (germline): Pathogenic. Review status: criteria provided, multiple submitters, no conflicts (2 of 4 stars). 2 submissions from 2 submitters: Pathogenic (2). Last evaluated 2025-05-23.

Conditions:
Intellectual developmental disorder with dysmorphic facies and ptosis (IDDDFP). Identifiers: Orphanet 698090, MedGen C4310617, MONDO:0015022, OMIM 617333.

Submissions (2):

GeneDx
Classification: Pathogenic. Last evaluated: 2025-05-23. Review status: criteria provided, single submitter. Criteria: GeneDx Variant Classification Process June 2021. Collection method: clinical testing. Allele origin: germline. Affected: yes.
Comment: Frameshift variant predicted to result in protein truncation or nonsense mediated decay in a gene for which loss of function is a known mechanism of disease; Not observed at significant frequency in large population cohorts (gnomAD); Has not been previously published as pathogenic or benign to our knowledge

Revvity Omics, Revvity
Classification: Pathogenic for Intellectual developmental disorder with dysmorphic facies and ptosis. Last evaluated: 2020-06-21. Review status: criteria provided, single submitter. Criteria: ACMG Guidelines, 2015. Collection method: clinical testing. Allele origin: germline.

NM_001003694.2(BRPF1):c.2798del (p.Pro933fs)

Gene: BRPF1 (bromodomain and PHD finger containing 1; plus strand). Cytogenetic location: 3p25.3.
Variant type: Deletion.
Coding change: c.2798del on transcript NM_001003694.2 (MANE Select); coding-DNA position 2798, one base deleted (C; older notation c.2798delC).
Protein change: p.Pro933fs; shifts the reading frame from proline 933.
Molecular consequence: frameshift variant. On other transcripts: non-coding transcript variant (1), intron variant (1).
Genome position (GRCh38, 1-based): chr3:9,744,386, C deleted; the last of 2 consecutive C bases (chr3:9,744,385-9,744,386); deleting either gives the same sequence. VCF-style (leftmost placement, unchanged base first): chr3-9744384-TC-T. GRCh37 (hg19) VCF-style: chr3-9786068-TC-T.
Other names: c.2777del, p.Pro926fs (NM_001319050.2); c.2780del, p.Pro927fs (NM_004634.3); c.2617+485del (NM_001319049.2); short protein forms P926fs, P927fs, P933fs.
Identifiers: ClinVar variation 1325379 (VCV001325379.5), dbSNP rs2125511510, ClinGen allele CA2573052256.